The following is an entry in ClinVar:

ClinVar aggregate classification (germline): Uncertain significance (1 of 4 stars; one submission).

Conditions:
Inborn genetic diseases. Identifiers: MedGen C0950123, MeSH D030342.

Submission:

Ambry Genetics
Classification: Uncertain significance for Inborn genetic diseases. Last evaluated: 2025-10-01. Review status: criteria provided, single submitter. Criteria: Ambry Variant Classification Scheme 2023. Collection method: clinical testing. Allele origin: germline.
Comment: The c.1153-5_1153-4delAA intronic variant, located in intron 6 of the ETV6 gene, results from a deletion of two nucleotides within intron 6 of the ETV6 gene. In silico splice site analysis predicts that this alteration may result in the creation or strengthening of a novel splice acceptor site; however, direct evidence is insufficient at this time (Ambry internal data). Based on the available evidence, the clinical significance of this variant remains unclear.

NM_001987.5(ETV6):c.1153-5_1153-4del

Gene: ETV6 (ETS variant transcription factor 6; plus strand). Cytogenetic location: 12p13.2.
Variant type: Deletion.
Coding change: c.1153-5_1153-4del on transcript NM_001987.5 (MANE Select); 5 bases into the intron before coding-DNA position 1153 through 4 bases into the intron before coding-DNA position 1153, 2 bases deleted (AA; older notation c.1153-5_1153-4delAA).
Molecular consequence: intron variant.
Genome position (GRCh38, 1-based): chr12:11,885,921-11,885,922, AA deleted; deleting any 2 consecutive bases within chr12:11,885,920-11,885,922 gives the same sequence; the c. name uses the placement nearest the transcript's 3' end. VCF-style (leftmost placement, unchanged base first): chr12-11885919-CAA-C. GRCh37 (hg19) VCF-style: chr12-12038853-CAA-C.
Other names: c.1010-5020_1010-5019del (NM_001413917.1); c.1150-5_1150-4del (NM_001413913.1); c.889-5_889-4del (NM_001413915.1); c.1126-5_1126-4del (NM_001413914.1).
Identifiers: ClinVar variation 4618827 (VCV004618827.1).